The following is an entry in ClinVar:

ClinVar aggregate classification (germline): Uncertain significance. Review status: criteria provided, multiple submitters, no conflicts (2 of 4 stars). 2 submissions from 2 submitters: Uncertain significance (2). Last evaluated 2024-11-05.

Conditions:
Inborn genetic diseases. Identifiers: MedGen C0950123, MeSH D030342.

Allele frequency attached by ClinVar (database versions not stated): TOPMed 0.00003.

Submissions (2):

Labcorp Genetics (formerly Invitae), Labcorp
Classification: Uncertain significance. Last evaluated: 2024-11-05. Review status: criteria provided, single submitter. Criteria: Invitae Variant Classification Sherloc (09022015). Collection method: clinical testing. Allele origin: germline.
Comment: This sequence change replaces leucine, which is neutral and non-polar, with phenylalanine, which is neutral and non-polar, at codon 155 of the RP2 protein (p.Leu155Phe). This variant is not present in population databases (gnomAD no frequency). This missense change has been observed in individual(s) with clinical features of retinitis pigmentosa (internal data). ClinVar contains an entry for this variant (Variation ID: 1442305). Invitae Evidence Modeling of protein sequence and biophysical properties (such as structural, functional, and spatial information, amino acid conservation, physicochemical variation, residue mobility, and thermodynamic stability) has been performed for this missense variant. However, the output from this modeling did not meet the statistical confidence thresholds required to predict the impact of this variant on RP2 protein function. In summary, the available evidence is currently insufficient to determine the role of this variant in disease. Therefore, it has been classified as a Variant of Uncertain Significance.

Ambry Genetics
Classification: Uncertain significance for Inborn genetic diseases. Last evaluated: 2023-07-25. Review status: criteria provided, single submitter. Criteria: Ambry Variant Classification Scheme 2023. Collection method: clinical testing. Allele origin: germline.

NM_006915.3(RP2):c.465A>C (p.Leu155Phe)

Gene: RP2 (RP2 activator of ARL3 GTPase; plus strand). Cytogenetic location: Xp11.3.
Variant type: single nucleotide variant.
Coding change: c.465A>C on transcript NM_006915.3 (MANE Select); coding-DNA position 465, A replaced by C.
Protein change: p.Leu155Phe; replaces leucine 155 with phenylalanine.
Molecular consequence: missense variant.
Genome position (GRCh38, 1-based): chrX:46,853,838, A>C. VCF-style: chrX-46853838-A-C. GRCh37 (hg19) VCF-style: chrX-46713273-A-C.
Other names: c.465A>C (NM_006915.2); short protein forms L155F.
Identifiers: ClinVar variation 1442305 (VCV001442305.6), dbSNP rs1187200655, ClinGen allele CA413039990.